The following is an entry in ClinVar:

ClinVar aggregate classification (germline): Likely benign. Review status: criteria provided, multiple submitters, no conflicts (2 of 4 stars). 2 submissions from 2 submitters: Likely benign (2). Last evaluated 2023-05-08.

Conditions:
Autosomal recessive limb-girdle muscular dystrophy type 2J (LGMDR10). Also called: Limb-girdle muscular dystrophy, type 2J; MUSCULAR DYSTROPHY, LIMB-GIRDLE, AUTOSOMAL RECESSIVE 10. Identifiers: Orphanet 140922, MedGen C1837342, MONDO:0012127, OMIM 608807.
Dilated cardiomyopathy 1G (CMD1G). Identifiers: Orphanet 154, MedGen C1858763, MONDO:0011400, OMIM 604145.

Submissions (2):

Labcorp Genetics (formerly Invitae), Labcorp
Classification: Likely benign for Dilated cardiomyopathy 1G; Autosomal recessive limb-girdle muscular dystrophy type 2J. Last evaluated: 2023-05-08. Review status: criteria provided, single submitter. Criteria: Invitae Variant Classification Sherloc (09022015). Collection method: clinical testing. Allele origin: germline.

CeGaT Center for Human Genetics Tuebingen
Classification: Likely benign. Last evaluated: 2023-02-01. Review status: criteria provided, single submitter. Criteria: CeGaT Center For Human Genetics Tuebingen Variant Classification Criteria Version 2. Collection method: clinical testing. Allele origin: germline. Affected: yes. Observed: 1 variant allele.
Comment: TTN: PM2:Supporting, BP4, BP7

NM_001267550.2(TTN):c.39015T>C (p.Pro13005=)

Gene: TTN (titin; minus strand). Cytogenetic location: 2q31.2.
Variant type: single nucleotide variant.
Coding change: c.39015T>C on transcript NM_001267550.2 (MANE Select); coding-DNA position 39015, T replaced by C.
Protein change: p.Pro13005=; no amino-acid change (proline 13005 retained).
Molecular consequence: synonymous variant. On other transcripts: intron variant (5).
Genome position (GRCh38, 1-based): chr2:178,652,681, A>G on the plus strand (T>C on the coding strand, the complement: TTN is on the minus strand). VCF-style: chr2-178652681-A-G. GRCh37 (hg19) VCF-style: chr2-179517408-A-G.
Other names: c.13283-10364T>C (NM_003319.4); c.13859-10364T>C (NM_133437.4); c.13658-10364T>C (NM_133432.3); c.31742-140T>C (NM_133378.4); c.34523-140T>C (NM_001256850.1).
Identifiers: ClinVar variation 2651650 (VCV002651650.27), dbSNP rs2472436928, ClinGen allele CA430107974.